The following is an entry in ClinVar:

ClinVar aggregate classification (germline): Pathogenic (1 of 4 stars; one submission).

Conditions:
Arrhythmogenic right ventricular dysplasia 8 (ARVD8). Also called: Arrhythmogenic Right Ventricular Dysplasia/Cardiomyopathy 8; ARRHYTHMOGENIC RIGHT VENTRICULAR DYSPLASIA, FAMILIAL, 8; ARRHYTHMOGENIC RIGHT VENTRICULAR CARDIOMYOPATHY 8. Identifiers: MedGen C1843896, MONDO:0011831, OMIM 607450.
Arrhythmogenic cardiomyopathy with wooly hair and keratoderma. Also called: PALMOPLANTAR KERATODERMA WITH LEFT VENTRICULAR CARDIOMYOPATHY AND WOOLLY HAIR; Carvajal syndrome; Dilated cardiomyopathy with woolly hair and keratoderma; Arrhythmogenic cardiomyopathy with woolly hair and keratoderma. Identifiers: Orphanet 65282, MedGen C1854063, MONDO:0011581, OMIM 605676.

Submission:

Labcorp Genetics (formerly Invitae), Labcorp
Classification: Pathogenic for Arrhythmogenic cardiomyopathy with wooly hair and keratoderma; Arrhythmogenic right ventricular dysplasia 8. Last evaluated: 2024-06-26. Review status: criteria provided, single submitter. Criteria: Invitae Variant Classification Sherloc (09022015). Collection method: clinical testing. Allele origin: germline.
Comment: This sequence change creates a premature translational stop signal (p.Lys2179Argfs*8) in the DSP gene. While this is not anticipated to result in nonsense mediated decay, it is expected to disrupt the last 693 amino acid(s) of the DSP protein. This variant is not present in population databases (gnomAD no frequency). This variant has not been reported in the literature in individuals affected with DSP-related conditions. This variant disrupts a region of the DSP protein in which other variant(s) (p.Glu2728Glyfs*11) have been determined to be pathogenic (Invitae). This suggests that this is a clinically significant region of the protein, and that variants that disrupt it are likely to be disease-causing. For these reasons, this variant has been classified as Pathogenic.

NM_004415.4(DSP):c.6536del (p.Lys2179fs)

Gene: DSP (desmoplakin; plus strand). Cytogenetic location: 6p24.3.
Variant type: Deletion.
Coding change: c.6536del on transcript NM_004415.4 (MANE Select); coding-DNA position 6536, one base deleted (A; older notation c.6536delA).
Protein change: p.Lys2179fs; shifts the reading frame from lysine 2179.
Molecular consequence: frameshift variant.
Genome position (GRCh38, 1-based): chr6:7,583,798, A deleted; the last of 5 consecutive A bases (chr6:7,583,794-7,583,798); deleting any one gives the same sequence. VCF-style (leftmost placement, unchanged base first): chr6-7583793-CA-C. GRCh37 (hg19) VCF-style: chr6-7584026-CA-C.
Other names: c.4739del, p.Lys1580fs (NM_001008844.3); c.5207del, p.Lys1736fs (NM_001319034.2); short protein forms K1580fs, K1736fs, K2179fs.
Identifiers: ClinVar variation 3757006 (VCV003757006.2).
Genomic context (GRCh38, chr6:7,583,793, plus strand): 5'-TTTGTATCGATCCCTGAATGATCCCCGAGATAGTCAGAAAAACTTTGTGGATCCAGTCAC[CA>C]AAAAGAAGGTCAGTTACGTGCAGCTGAAGGAACGGTGCAGAATCGAACCACATACTGGTC-3'